The following is an entry in ClinVar:

ClinVar aggregate classification (germline): Benign. Review status: criteria provided, multiple submitters, no conflicts (2 of 4 stars). 5 submissions from 5 submitters: Benign (4). 1 of the submissions does not count toward it. Last evaluated 2026-02-03.

Conditions:
Alpha-methylacyl-CoA racemase deficiency (AMACRD). Also called: AMACR deficiency. Identifiers: Orphanet 79095, MedGen C3280428, MONDO:0013681, OMIM 614307. Disease mechanism: loss of function.

Allele frequency attached by ClinVar (database versions not stated): gnomAD exomes 0.00230 and 0.00629; ExAC 0.00788; gnomAD 0.02418 and 0.02606; 1000 Genomes Project 0.02556; ESP Exome Variant Server 0.02699; 1000 Genomes Project 30x 0.02748; TOPMed 0.02793.
gnomAD v4.1: 7,176 of 1,612,120 alleles (0.45%); highest among the groups gnomAD compares: African/African-American, 8.4%; 268 homozygotes.

Submissions (5):

Labcorp Genetics (formerly Invitae), Labcorp
Classification: Benign for Alpha-methylacyl-CoA racemase deficiency. Last evaluated: 2026-02-03. Review status: criteria provided, single submitter. Criteria: Invitae Variant Classification Sherloc (09022015). Collection method: clinical testing. Allele origin: germline.

Illumina Laboratory Services, Illumina
Classification: Benign for Alpha-methylacyl-CoA racemase deficiency. Last evaluated: 2018-01-13. Review status: criteria provided, single submitter. Criteria: ICSL Variant Classification Criteria 13 December 2019. Collection method: clinical testing. Allele origin: germline.
Comment: This variant was observed in the ICSL laboratory as part of a predisposition screen in an ostensibly healthy population. It had not been previously curated by ICSL or reported in the Human Gene Mutation Database (HGMD: prior to June 1st, 2018), and was therefore a candidate for classification through an automated scoring system. Utilizing variant allele frequency, disease prevalence and penetrance estimates, and inheritance mode, an automated score was calculated to assess if this variant is too frequent to cause the disease. Based on the score and internal cut-off values, a variant classified as benign is not then subjected to further curation. The score for this variant resulted in a classification of benign for this disease.

GeneDx
Classification: Benign. Last evaluated: 2015-12-10. Review status: criteria provided, single submitter. Criteria: GeneDx Variant Classification (06012015). Collection method: clinical testing. Allele origin: germline. Affected: yes.
Comment: This variant is considered likely benign or benign based on one or more of the following criteria: it is a conservative change, it occurs at a poorly conserved position in the protein, it is predicted to be benign by multiple in silico algorithms, and/or has population frequency not consistent with disease.

Breakthrough Genomics
Classification: Benign. Review status: criteria provided, single submitter. Criteria: ACMG Guidelines, 2015. Collection method: not provided. Allele origin: germline. Inheritance: Autosomal recessive inheritance. Affected: yes.

Mayo Clinic Laboratories, Mayo Clinic
Classification: Benign. Last evaluated: 2015-12-16. Review status: no assertion criteria provided. Collection method: clinical testing. Allele origin: unknown. Not counted in ClinVar's aggregate classification.

NM_014324.6(AMACR):c.712C>T (p.Pro238Ser)

Genes: AMACR (alpha-methylacyl-CoA racemase; minus strand), C1QTNF3-AMACR (C1QTNF3-AMACR readthrough (NMD candidate); minus strand). Cytogenetic location: 5p13.2.
Variant type: single nucleotide variant.
Coding change: c.712C>T on transcript NM_014324.6 (MANE Select); coding-DNA position 712, C replaced by T.
Protein change: p.Pro238Ser; replaces proline 238 with serine.
Molecular consequence: missense variant. On other transcripts: non-coding transcript variant (1).
Genome position (GRCh38, 1-based): chr5:33,998,668, G>A on the plus strand (C>T on the coding strand, the complement: AMACR is on the minus strand). VCF-style: chr5-33998668-G-A. GRCh37 (hg19) VCF-style: chr5-33998773-G-A.
Other names: c.712C>T, p.Pro238Ser (NM_001167595.2); c.551C>T, p.Thr184Ile (NM_203382.3); short protein forms P238S, T184I.
Identifiers: ClinVar variation 353254 (VCV000353254.19), dbSNP rs9282594, ClinGen allele CA3226140.
Genomic context (GRCh38, chr5:33,998,668, plus strand): 5'-GGGAACTGGGGGAGACGCGTGAAGTTCACTTACCTTTGATCAGCAGCTCGTAGAACTGGG[G>A]TTCTATTGCTCCAACAGCCATGAATTCCCCATCTGCTGTCCTGTAAGTCGTATAGAAAGG-3'
Protein context (NP_055139.4, residues 228-248): GEFMAVGAIE[Pro238Ser]QFYELLIKGL